The following is an entry in ClinVar:

ClinVar aggregate classification (germline): Likely benign. Review status: criteria provided, single submitter (1 of 4 stars). 2 submissions from 2 submitters: Likely benign (1). 1 of the submissions does not count toward it. Last evaluated 2025-02-06.

Conditions:
Charcot-Marie-Tooth disease type 2E (CMT2E). Also called: CHARCOT-MARIE-TOOTH DISEASE, AXONAL, TYPE 2E; CHARCOT-MARIE-TOOTH NEUROPATHY, TYPE 2E. Identifiers: Orphanet 99939, MedGen C1843225, MONDO:0011894, OMIM 607684.
NEFL-related disorder. Also called: NEFL-related condition.

Allele frequency attached by ClinVar (database versions not stated): gnomAD 0.00001.

Submissions (2):

Labcorp Genetics (formerly Invitae), Labcorp
Classification: Likely benign for Charcot-Marie-Tooth disease type 2E. Last evaluated: 2025-02-06. Review status: criteria provided, single submitter. Criteria: Invitae Variant Classification Sherloc (09022015). Collection method: clinical testing. Allele origin: germline.

PreventionGenetics, part of Exact Sciences
Classification: Likely benign for NEFL-related condition. Last evaluated: 2020-05-13. Review status: no assertion criteria provided. Collection method: clinical testing. Allele origin: germline. Not counted in ClinVar's aggregate classification.
Comment: This variant is classified as likely benign based on ACMG/AMP sequence variant interpretation guidelines (Richards et al. 2015 PMID: 25741868, with internal and published modifications).

NM_006158.5(NEFL):c.228A>G (p.Val76=)

Gene: NEFL (neurofilament light chain; minus strand). Cytogenetic location: 8p21.2.
Variant type: single nucleotide variant.
Coding change: c.228A>G on transcript NM_006158.5 (MANE Select); coding-DNA position 228, A replaced by G.
Protein change: p.Val76=; no amino-acid change (valine 76 retained).
Molecular consequence: synonymous variant.
Genome position (GRCh38, 1-based): chr8:24,956,288, T>C on the plus strand (A>G on the coding strand, the complement: NEFL is on the minus strand). VCF-style: chr8-24956288-T-C. GRCh37 (hg19) VCF-style: chr8-24813802-T-C.
Identifiers: ClinVar variation 3054121 (VCV003054121.4), dbSNP rs1348671761, ClinGen allele CA460183585.
Genomic context (GRCh38, chr8:24,956,288, plus strand): 5'-GTCCTGGAGCTGCGCCTTCTCCTGCGTGCGGATGGACTTGAGGTCGTTGCTGATGGCGGC[T>C]ACCTGGCTCAGGTCGAGGTTCTCCAGACTGGGCATCAACGATCCAGAGCTGGAGGAGTAG-3'
Protein context (NP_006149.2, residues 66-86): PSLENLDLSQ[Val76=]AAISNDLKSI